The following is an entry in ClinVar:

ClinVar aggregate classification (germline): Uncertain significance (1 of 4 stars; one submission).

Conditions:
Progressive sclerosing poliodystrophy (MTDPS4A). Also called: ALPERS PROGRESSIVE INFANTILE POLIODYSTROPHY; Mitochondrial DNA depletion syndrome 4A (Alpers type); ALPERS DIFFUSE DEGENERATION OF CEREBRAL GRAY MATTER WITH HEPATIC CIRRHOSIS; Alpers-Huttenlocher Syndrome; Alpers-Huttenlocher Syndrome (AHS); Alpers Syndrome. Identifiers: Orphanet 726, MedGen C0205710, MONDO:0008758, OMIM 203700.

Allele frequency attached by ClinVar (database versions not stated): gnomAD exomes below 0.00001 and 0.00001; ExAC 0.00001.
gnomAD v4.1: 3 of 1,545,920 alleles (0.00019%); highest among the groups gnomAD compares: South Asian, 0.0037%; no homozygotes.

Submission:

Labcorp Genetics (formerly Invitae), Labcorp
Classification: Uncertain significance for Progressive sclerosing poliodystrophy. Last evaluated: 2025-09-02. Review status: criteria provided, single submitter. Criteria: Invitae Variant Classification Sherloc (09022015). Collection method: clinical testing. Allele origin: germline.
Comment: This sequence change replaces glutamic acid, which is acidic and polar, with glutamine, which is neutral and polar, at codon 200 of the POLG protein (p.Glu200Gln). This variant is present in population databases (rs756447384, gnomAD 0.005%). This variant has not been reported in the literature in individuals affected with POLG-related conditions. ClinVar contains an entry for this variant (Variation ID: 960825). Invitae Evidence Modeling of protein sequence and biophysical properties (such as structural, functional, and spatial information, amino acid conservation, physicochemical variation, residue mobility, and thermodynamic stability) indicates that this missense variant is expected to disrupt POLG protein function with a positive predictive value of 95%. In summary, the available evidence is currently insufficient to determine the role of this variant in disease. Therefore, it has been classified as a Variant of Uncertain Significance.

NM_002693.3(POLG):c.598G>C (p.Glu200Gln)

Genes: POLG (DNA polymerase gamma, catalytic subunit; minus strand), POLGARF (POLG alternative reading frame; minus strand). Cytogenetic location: 15q26.1.
Variant type: single nucleotide variant.
Coding change: c.598G>C on transcript NM_002693.3 (MANE Select); coding-DNA position 598, G replaced by C.
Protein change: p.Glu200Gln; replaces glutamic acid 200 with glutamine.
Molecular consequence: missense variant.
Genome position (GRCh38, 1-based): chr15:89,333,157, C>G on the plus strand (G>C on the coding strand, the complement: POLG is on the minus strand). VCF-style: chr15-89333157-C-G. GRCh37 (hg19) VCF-style: chr15-89876388-C-G.
Other names: c.598G>C, p.Glu200Gln (NM_001126131.2); short protein forms E200Q.
Identifiers: ClinVar variation 960825 (VCV000960825.10), dbSNP rs756447384, ClinGen allele CA7725089.
Genomic context (GRCh38, chr15:89,333,157, plus strand): 5'-AGGCCGAGGGGGATATGGCCACCGCCAATGTGGGGCAAGTTCCCTCTGCCAAGCAGACCT[C>G]CACGTCGAACACCAGGGCCCGCTCCTCGGGGATGGCCACGGGTACGGCCTCCCCCTCGGG-3'
Protein context (NP_002684.1, residues 190-210): PEERALVFDV[Glu200Gln]VCLAEGTCPT